The following is an entry in ClinVar:

ClinVar aggregate classification (germline): Uncertain significance. Review status: criteria provided, multiple submitters, no conflicts (2 of 4 stars). 2 submissions from 2 submitters: Uncertain significance (2). Last evaluated 2026-03-06.

Conditions:
GNAS-related disorder. Identifiers: MedGen CN380105.

gnomAD v4.1: 1 of 1,609,208 alleles (0.000062%); highest among the groups gnomAD compares: Non-Finnish European, 0.000085%; no homozygotes.

Submissions (2):

PreventionGenetics, part of Exact Sciences
Classification: Uncertain significance for GNAS-related condition. Last evaluated: 2026-03-06. Review status: criteria provided, single submitter. Criteria: ACMG Guidelines, 2015. Collection method: clinical testing. Allele origin: germline.
Comment: The GNAS c.979G>A variant is predicted to result in the amino acid substitution p.Glu327Lys. This variant has been reported to have occurred apparently de novo in an individual with pseudo-pseudohypoparathyroidism (described as p.Glu328Lys in Supplemental Table 1 in Thiele et al. 2015. PubMed ID: 25802881) and found in another individual from a study of GNAS-related disease (Supplemental Table S2 in Snanoudj et al. 2020. PubMed ID: 31886927). This variant has not been reported in a large population database (gnomAD), indicating it is rare. At this time, the clinical significance of this variant is uncertain due to the absence of conclusive functional and genetic evidence.

Labcorp Genetics (formerly Invitae), Labcorp
Classification: Uncertain significance. Last evaluated: 2024-09-04. Review status: criteria provided, single submitter. Criteria: Invitae Variant Classification Sherloc (09022015). Collection method: clinical testing. Allele origin: germline.
Comment: This sequence change replaces glutamic acid, which is acidic and polar, with lysine, which is basic and polar, at codon 327 of the GNAS protein (p.Glu327Lys). This variant is not present in population databases (gnomAD no frequency). This missense change has been observed in individual(s) with pseudopseudohypoparathyroidism (PMID: 25802881, 31886927). In at least one individual the variant was observed to be de novo. Invitae Evidence Modeling of protein sequence and biophysical properties (such as structural, functional, and spatial information, amino acid conservation, physicochemical variation, residue mobility, and thermodynamic stability) has been performed for this missense variant. However, the output from this modeling did not meet the statistical confidence thresholds required to predict the impact of this variant on GNAS protein function. In summary, the available evidence is currently insufficient to determine the role of this variant in disease. Therefore, it has been classified as a Variant of Uncertain Significance.

Literature cited by the submitters: PubMed 25802881 (cited by Labcorp Genetics (formerly Invitae), Labcorp); PubMed 31886927 (cited by Labcorp Genetics (formerly Invitae), Labcorp).

NM_000516.7(GNAS):c.979G>A (p.Glu327Lys)

Gene: GNAS (GNAS complex locus; plus strand). Cytogenetic location: 20q13.32.
Variant type: single nucleotide variant.
Coding change: c.979G>A on transcript NM_000516.7 (MANE Select); coding-DNA position 979, G replaced by A.
Protein change: p.Glu327Lys; replaces glutamic acid 327 with lysine.
Molecular consequence: missense variant. On other transcripts: 3 prime UTR variant (2).
Genome position (GRCh38, 1-based): chr20:58,910,342, G>A. VCF-style: chr20-58910342-G-A. GRCh37 (hg19) VCF-style: chr20-57485397-G-A.
Other names: c.979G>A (NM_000516.5); c.982G>A, p.Glu328Lys (NM_001077488.5); c.934G>A, p.Glu312Lys (NM_001077489.4); c.*840G>A (NM_001077490.3); c.802G>A, p.Glu268Lys (NM_001309840.2, NM_001309861.2); c.883G>A, p.Glu295Lys (NM_001410912.1); c.2863G>A, p.Glu955Lys (NM_001410913.1); c.*885G>A (NM_016592.5); and 2 more; short protein forms E312K, E295K, E955K, E313K, E327K, E328K, E970K, E268K.
Identifiers: ClinVar variation 3723815 (VCV003723815.3).
Genomic context (GRCh38, chr20:58,910,342, plus strand): 5'-CAGCTCTGCTTGAATTTTAAATTACATTAATATGTATTCCCTTTTTATATAGCTACTCCC[G>A]AGCCCGGAGAGGACCCACGCGTGACCCGGGCCAAGTACTTCATTCGAGATGAGTTTCTGG-3'
Protein context (NP_000507.1, residues 317-337): RYTTPEDATP[Glu327Lys]PGEDPRVTRA